The following is an entry in ClinVar:

NM_024642.5(GALNT12):c.1703A>G (p.Asn568Ser)

Gene: GALNT12 (polypeptide N-acetylgalactosaminyltransferase 12; plus strand). Cytogenetic location: 9q22.33.
Variant type: single nucleotide variant.
Coding change: c.1703A>G on transcript NM_024642.5 (MANE Select); coding-DNA position 1703, A replaced by G.
Protein change: p.Asn568Ser; replaces asparagine 568 with serine.
Molecular consequence: missense variant.
Genome position (GRCh38, 1-based): chr9:98,849,049, A>G. VCF-style: chr9-98849049-A-G. GRCh37 (hg19) VCF-style: chr9-101611331-A-G.
Other names: short protein forms N568S.
Identifiers: ClinVar variation 485636 (VCV000485636.19), dbSNP rs749874941, ClinGen allele CA5154349.

ClinVar aggregate classification (germline): Uncertain significance. Review status: criteria provided, multiple submitters, no conflicts (2 of 4 stars). 4 submissions from 4 submitters: Uncertain significance (4). Last evaluated 2025-09-10.

Allele frequency attached by ClinVar (database versions not stated): gnomAD 0.00001 and 0.00003; ExAC 0.00002; gnomAD exomes 0.00003; TOPMed 0.00003.
gnomAD v4.1: 41 of 1,614,074 alleles (0.0025%); highest among the groups gnomAD compares: Non-Finnish European, 0.0034%; no homozygotes.

Submissions (4):

Ambry Genetics
Classification: Uncertain significance. Last evaluated: 2025-09-10. Review status: criteria provided, single submitter. Criteria: Ambry Variant Classification Scheme 2023. Collection method: clinical testing. Allele origin: germline.

Dasa
Classification: Uncertain significance. Last evaluated: 2025-03-11. Review status: criteria provided, single submitter. Criteria: DASA Assertion Criteria. Collection method: clinical testing. Allele origin: germline.
Comment: NM_024642.5(GALNT12):c.1703A>G (p.Asn568Ser) is a missense variant that results in the substitution of asparagine with serine. This variant is rare in population databases. Computational prediction algorithms are consistent with a benign effect. The currently available literature and clinical evidence are not sufficient to establish a definitive association between this variant and the reported condition. Therefore, this variant is classified as a variant of uncertain significance.

Labcorp Genetics (formerly Invitae), Labcorp
Classification: Uncertain significance. Last evaluated: 2024-05-13. Review status: criteria provided, single submitter. Criteria: Invitae Variant Classification Sherloc (09022015). Collection method: clinical testing. Allele origin: germline.
Comment: This sequence change replaces asparagine, which is neutral and polar, with serine, which is neutral and polar, at codon 568 of the GALNT12 protein (p.Asn568Ser). This variant is present in population databases (rs749874941, gnomAD 0.006%). This variant has not been reported in the literature in individuals affected with GALNT12-related conditions. ClinVar contains an entry for this variant (Variation ID: 485636). Advanced modeling of protein sequence and biophysical properties (such as structural, functional, and spatial information, amino acid conservation, physicochemical variation, residue mobility, and thermodynamic stability) performed at Invitae indicates that this missense variant is not expected to disrupt GALNT12 protein function with a negative predictive value of 80%. In summary, the available evidence is currently insufficient to determine the role of this variant in disease. Therefore, it has been classified as a Variant of Uncertain Significance.

Institute for Clinical Genetics, University Hospital TU Dresden, University Hospital TU Dresden
Classification: Uncertain significance. Last evaluated: 2021-11-03. Review status: criteria provided, single submitter. Criteria: ACMG Guidelines, 2015. Collection method: clinical testing. Allele origin: germline.